The following is an entry in ClinVar:

ClinVar aggregate classification (germline): Uncertain significance (1 of 4 stars; one submission).

Conditions:
Severe early-onset pulmonary alveolar proteinosis due to MARS deficiency. Also called: PULMONARY ALVEOLAR PROTEINOSIS, REUNION ISLAND; Interstitial lung and liver disease. Identifiers: Orphanet 440427, MedGen C4225400, MONDO:0014206, OMIM 615486.
Charcot-Marie-Tooth disease axonal type 2U. Also called: CHARCOT-MARIE-TOOTH NEUROPATHY, TYPE 2U; CHARCOT-MARIE-TOOTH DISEASE, AXONAL, AUTOSOMAL DOMINANT, TYPE 2U. Identifiers: Orphanet 397735, MedGen C4084821, MONDO:0014566, OMIM 616280.

Submission:

Labcorp Genetics (formerly Invitae), Labcorp
Classification: Uncertain significance for Charcot-Marie-Tooth disease axonal type 2U; Severe early-onset pulmonary alveolar proteinosis due to MARS deficiency. Last evaluated: 2024-10-09. Review status: criteria provided, single submitter. Criteria: Invitae Variant Classification Sherloc (09022015). Collection method: clinical testing. Allele origin: germline.
Comment: This sequence change replaces aspartic acid, which is acidic and polar, with asparagine, which is neutral and polar, at codon 292 of the MARS protein (p.Asp292Asn). This variant is present in population databases (rs566515023, gnomAD 0.003%). This variant has not been reported in the literature in individuals affected with MARS-related conditions. An algorithm developed to predict the effect of missense changes on protein structure and function (PolyPhen-2) suggests that this variant is likely to be disruptive. In summary, the available evidence is currently insufficient to determine the role of this variant in disease. Therefore, it has been classified as a Variant of Uncertain Significance.

NM_004990.4(MARS1):c.874G>A (p.Asp292Asn)

Gene: MARS1 (methionyl-tRNA synthetase 1; plus strand). Cytogenetic location: 12q13.3.
Variant type: single nucleotide variant.
Coding change: c.874G>A on transcript NM_004990.4 (MANE Select); coding-DNA position 874, G replaced by A.
Protein change: p.Asp292Asn; replaces aspartic acid 292 with asparagine.
Molecular consequence: missense variant.
Genome position (GRCh38, 1-based): chr12:57,498,260, G>A. VCF-style: chr12-57498260-G-A. GRCh37 (hg19) VCF-style: chr12-57892043-G-A.
Other names: short protein forms D292N.
Identifiers: ClinVar variation 3759111 (VCV003759111.2).
Genomic context (GRCh38, chr12:57,498,260, plus strand): 5'-CTCCCTTACGTCAACAATGTCCCCCACCTTGGGAACATCATTGGTTGTGTGCTCAGTGCC[G>A]ATGTCTTTGCCAGGTGGAGCCAGCTGCTCGGGGAGAGACCTCCTAAGGGAAGGGCGGGTC-3'
Protein context (NP_004981.2, residues 282-302): GNIIGCVLSA[Asp292Asn]VFARYSRLRQ